The following is an entry in ClinVar:

NM_014679.5(CEP57):c.869C>T (p.Pro290Leu)

Gene: CEP57 (centrosomal protein 57; plus strand). Cytogenetic location: 11q21.
Variant type: single nucleotide variant.
Coding change: c.869C>T on transcript NM_014679.5 (MANE Select); coding-DNA position 869, C replaced by T.
Protein change: p.Pro290Leu; replaces proline 290 with leucine.
Molecular consequence: missense variant. On other transcripts: intron variant (1).
Genome position (GRCh38, 1-based): chr11:95,822,560, C>T. VCF-style: chr11-95822560-C-T. GRCh37 (hg19) VCF-style: chr11-95555724-C-T.
Other names: c.842C>T, p.Pro281Leu (NM_001243776.2); c.788C>T, p.Pro263Leu (NM_001363604.2); c.807+582C>T (NM_001243777.2); short protein forms P290L, P281L, P263L.
Identifiers: ClinVar variation 3679546 (VCV003679546.2).
Genomic context (GRCh38, chr11:95,822,560, plus strand): 5'-AAAGTTCTAGGAACTATTTTGGTGCACAACCACATTATAGATTATGCTTGGGTGATATGC[C>T]ATTTGTAGCTGGGAAGGTGAGTTGGTCAAACTCCGGATTCTTTTTATACAACATTGATCC-3'
Protein context (NP_055494.2, residues 280-300): PHYRLCLGDM[Pro290Leu]FVAGKSTSPS

ClinVar aggregate classification (germline): Uncertain significance (1 of 4 stars; one submission).

Conditions:
Mosaic variegated aneuploidy syndrome 2 (MVA2). Identifiers: Orphanet 1052, MedGen C3279843, MONDO:0013582, OMIM 614114.

Submission:

Labcorp Genetics (formerly Invitae), Labcorp
Classification: Uncertain significance for Mosaic variegated aneuploidy syndrome 2. Last evaluated: 2024-03-06. Review status: criteria provided, single submitter. Criteria: Invitae Variant Classification Sherloc (09022015). Collection method: clinical testing. Allele origin: germline.
Comment: This sequence change replaces proline, which is neutral and non-polar, with leucine, which is neutral and non-polar, at codon 290 of the CEP57 protein (p.Pro290Leu). This variant is not present in population databases (gnomAD no frequency). This variant has not been reported in the literature in individuals affected with CEP57-related conditions. Advanced modeling of protein sequence and biophysical properties (such as structural, functional, and spatial information, amino acid conservation, physicochemical variation, residue mobility, and thermodynamic stability) performed at Invitae indicates that this missense variant is expected to disrupt CEP57 protein function with a positive predictive value of 80%. Algorithms developed to predict the effect of sequence changes on RNA splicing suggest that this variant may disrupt the consensus splice site. In summary, the available evidence is currently insufficient to determine the role of this variant in disease. Therefore, it has been classified as a Variant of Uncertain Significance.